The following is an entry in ClinVar:

NM_000158.4(GBE1):c.*523T>A

Gene: GBE1 (1,4-alpha-glucan branching enzyme 1; minus strand). Cytogenetic location: 3p12.2.
Variant type: single nucleotide variant.
Coding change: c.*523T>A on transcript NM_000158.4 (MANE Select); 523 bases downstream of the stop codon, T replaced by A.
Molecular consequence: 3 prime UTR variant.
Genome position (GRCh38, 1-based): chr3:81,489,884, A>T on the plus strand (T>A on the coding strand, the complement: GBE1 is on the minus strand). VCF-style: chr3-81489884-A-T. GRCh37 (hg19) VCF-style: chr3-81539035-A-T.
Identifiers: ClinVar variation 899979 (VCV000899979.4), dbSNP rs113749146, ClinGen allele CA78275148.
Genomic context (GRCh38, chr3:81,489,884, plus strand): 5'-ATCACAAAATAAAACACAAAATGAGACACGGATGAGTTCATACGTAATGGCTTTTATATT[A>T]CCTTGGATATAATTCTTTATATCACTACTGCATATTTATTACAGTATTTCTAAACACAAT-3'

ClinVar aggregate classification (germline): Benign. Review status: criteria provided, single submitter (1 of 4 stars). 2 submissions from 1 submitter: Benign (2). Last evaluated 2017-04-27.

Conditions:
Glycogen storage disease, type IV (GSD4). Also called: AMYLOPECTINOSIS; ANDERSEN DISEASE; BRANCHER DEFICIENCY; CIRRHOSIS, FAMILIAL, WITH DEPOSITION OF ABNORMAL GLYCOGEN; GBE1 DEFICIENCY; GLYCOGEN BRANCHING ENZYME DEFICIENCY. Identifiers: Orphanet 367, MedGen C0017923, MONDO:0009292, OMIM 232500.
Adult polyglucosan body disease (APBN). Also called: GBE1-Adult Polyglucosan Body Disease; POLYGLUCOSAN BODY DISEASE, ADULT FORM. Identifiers: Orphanet 206583, MedGen C1849722, MONDO:0009897, OMIM 263570.

Allele frequency attached by ClinVar (database versions not stated): 1000 Genomes Project 0.00799; 1000 Genomes Project 30x 0.00812; TOPMed 0.00966.

Submissions (2):

Illumina Laboratory Services, Illumina
Classification: Benign for Glycogen storage disease, type IV. Last evaluated: 2017-04-27. Review status: criteria provided, single submitter. Criteria: ICSL Variant Classification Criteria 13 December 2019. Collection method: clinical testing. Allele origin: germline.
Comment: This variant was observed as part of a predisposition screen in an ostensibly healthy population. A literature search was performed for the gene, cDNA change, and amino acid change (where applicable). No publications were found based on this search. Allele frequency data from public databases was too high to be consistent with this variant causing disease. Therefore, this variant is classified as benign.

Illumina Laboratory Services, Illumina
Classification: Benign for Adult polyglucosan body disease. Last evaluated: 2017-04-27. Review status: criteria provided, single submitter. Criteria: ICSL Variant Classification Criteria 13 December 2019. Collection method: clinical testing. Allele origin: germline.
Comment: the same text as in the submission from Illumina Laboratory Services, Illumina above.